The following is an entry in ClinVar:

NM_002069.6(GNAI1):c.1019C>G (p.Thr340Arg)

Gene: GNAI1 (G protein subunit alpha i1; plus strand). Cytogenetic location: 7q21.11.
Variant type: single nucleotide variant.
Coding change: c.1019C>G on transcript NM_002069.6 (MANE Select); coding-DNA position 1019, C replaced by G.
Protein change: p.Thr340Arg; replaces threonine 340 with arginine.
Molecular consequence: missense variant.
Genome position (GRCh38, 1-based): chr7:80,217,447, C>G. VCF-style: chr7-80217447-C-G. GRCh37 (hg19) VCF-style: chr7-79846763-C-G.
Other names: c.863C>G, p.Thr288Arg (NM_001256414.2); short protein forms T288R, T340R.
Identifiers: ClinVar variation 3776145 (VCV003776145.1).

ClinVar aggregate classification (germline): Uncertain significance (1 of 4 stars; one submission).

Conditions:
Neurodevelopmental disorder with hypotonia, impaired speech, and behavioral abnormalities (NEDHISB). Also called: GNAI1-Related Neurodevelopmental Disorder. Identifiers: MedGen C5676975, MONDO:0859243, OMIM 619854.

Submission:

3billion
Classification: Uncertain significance for Neurodevelopmental disorder with hypotonia, impaired speech, and behavioral abnormalities. Last evaluated: 2024-01-24. Review status: criteria provided, single submitter. Criteria: ACMG Guidelines, 2015. Collection method: clinical testing. Allele origin: germline. Affected: yes.
Comment: The variant is not observed in the gnomAD v2.1.1 dataset. Predicted Consequence/Location: Missense changes are a common disease-causing mechanism. In silico tool predictions suggest damaging effect of the variant on gene or gene product [REVEL: 0.88 (>=0.6, sensitivity 0.68 and specificity 0.92); 3Cnet: 0.95 (>=0.6, sensitivity 0.72 and precision 0.9)]. Therefore, this variant is classified as VUS according to the recommendation of ACMG/AMP guideline.